The following is an entry in ClinVar:

NM_007289.4(MME):c.1489T>C (p.Tyr497His)

Gene: MME (membrane metalloendopeptidase; plus strand). Cytogenetic location: 3q25.2.
Variant type: single nucleotide variant.
Coding change: c.1489T>C on transcript NM_007289.4 (MANE Select); coding-DNA position 1489, T replaced by C.
Protein change: p.Tyr497His; replaces tyrosine 497 with histidine.
Molecular consequence: missense variant.
Genome position (GRCh38, 1-based): chr3:155,147,216, T>C. VCF-style: chr3-155147216-T-C. GRCh37 (hg19) VCF-style: chr3-154865005-T-C.
Other names: c.1489T>C, p.Tyr497His (NM_000902.5, NM_001354642.2, NM_001354643.1 and 2 more transcripts); c.1489T>C (NM_007289.2); short protein forms Y497H.
Identifiers: ClinVar variation 1912689 (VCV001912689.3), dbSNP rs200308207, ClinGen allele CA2675526.

ClinVar aggregate classification (germline): Uncertain significance. Review status: criteria provided, multiple submitters, no conflicts (2 of 4 stars). 2 submissions from 2 submitters: Uncertain significance (2). Last evaluated 2026-05-29.

Conditions:
MME-related disorder. Also called: MME-related condition.

Allele frequency attached by ClinVar (database versions not stated): ExAC 0.00001; TOPMed 0.00002; gnomAD exomes 0.00003; gnomAD 0.00005; 1000 Genomes Project 30x 0.00016; 1000 Genomes Project 0.00020.
gnomAD v4.1: 47 of 1,590,440 alleles (0.003%); highest among the groups gnomAD compares: East Asian, 0.04%; no homozygotes.

Submissions (2):

PreventionGenetics, part of Exact Sciences
Classification: Uncertain significance for MME-related condition. Last evaluated: 2026-05-29. Review status: criteria provided, single submitter. Criteria: ACMG Guidelines, 2015. Collection method: clinical testing. Allele origin: germline.
Comment: The MME c.1489T>C variant is predicted to result in the amino acid substitution p.Tyr497His. This variant has been reported in the heterozygous state with a second MME variant in a patient with features of Charcot-Marie-Tooth disease (Higuchi et al. 2016. PubMed ID: 26991897). This variant is reported in 0.0050% of alleles in individuals of East Asian descent in gnomAD. At this time, the clinical significance of this variant is uncertain due to the absence of conclusive functional and genetic evidence.

Labcorp Genetics (formerly Invitae), Labcorp
Classification: Uncertain significance. Last evaluated: 2022-05-21. Review status: criteria provided, single submitter. Criteria: Invitae Variant Classification Sherloc (09022015). Collection method: clinical testing. Allele origin: germline.
Comment: This sequence change replaces tyrosine, which is neutral and polar, with histidine, which is basic and polar, at codon 497 of the MME protein (p.Tyr497His). This variant is present in population databases (rs200308207, gnomAD 0.005%). This missense change has been observed in individual(s) with Charcot-Marie-Tooth disease (PMID: 26991897). Algorithms developed to predict the effect of missense changes on protein structure and function are either unavailable or do not agree on the potential impact of this missense change (SIFT: "Deleterious"; PolyPhen-2: "Probably Damaging"; Align-GVGD: "Class C0"). In summary, the available evidence is currently insufficient to determine the role of this variant in disease. Therefore, it has been classified as a Variant of Uncertain Significance.

Literature cited by the submitters: PubMed 26991897 (cited by Labcorp Genetics (formerly Invitae), Labcorp).